The following is an entry in ClinVar:

ClinVar aggregate classification (germline): Conflicting classifications of pathogenicity. Review status: criteria provided, conflicting classifications (1 of 4 stars). 3 submissions from 3 submitters: Likely pathogenic (2); Uncertain significance (1). Last evaluated 2025-04-07.

Conditions:
APOA5-related disorder. Also called: APOA5-related condition.
Cardiovascular phenotype. Identifiers: MedGen CN230736.

Submissions (3):

Ambry Genetics
Classification: Likely pathogenic for Cardiovascular phenotype. Last evaluated: 2025-04-07. Review status: criteria provided, single submitter. Criteria: Ambry Variant Classification Scheme 2023. Collection method: clinical testing. Allele origin: germline.
Comment: The c.724delC variant, located in coding exon 3 of the APOA5 gene, results from a deletion of one nucleotide at nucleotide position 724, causing a translational frameshift with a predicted alternate stop codon (p.L242Cfs*55). This alteration occurs at the 3&rsquo; terminus of the APOA5 gene and is not expected to trigger nonsense-mediated mRNA decay. However, premature stop codons are typically deleterious in nature, and this variant results in the loss of 34% of the protein, including a C-terminal domain that has been implicated in lipid binding (Sun G et al. Chem Phys Lipids, 2006 Sep;143:22-8). This variant was reported in individual(s) with features consistent with hypertriglyceridemia (Evans D et al. Atherosclerosis, 2011 Dec;219:715-20; Ambry internal data). This variant is considered to be rare based on population cohorts in the Genome Aggregation Database (gnomAD). This alteration is expected to result in loss of function by premature protein truncation. Based on the majority of available evidence to date, this variant is likely to be pathogenic.

PreventionGenetics, part of Exact Sciences
Classification: Likely pathogenic for APOA5-related condition. Last evaluated: 2025-03-25. Review status: criteria provided, single submitter. Criteria: ACMG Guidelines, 2015. Collection method: clinical testing. Allele origin: germline.
Comment: The APOA5 c.724delC variant is predicted to result in a frameshift and premature protein termination (p.Leu242Cysfs*55). This variant has been reported in a study about apolipoprotein A-V in hypertriglyceridemia (Perera and Hegele. 2024. PubMed ID: 38117614). This variant is reported in 0.00091% of alleles in individuals of European (Non-Finnish) descent in gnomAD. Frameshift variants in APOA5 are expected to be pathogenic. This variant is interpreted as likely pathogenic.

Labcorp Genetics (formerly Invitae), Labcorp
Classification: Uncertain significance. Last evaluated: 2024-11-24. Review status: criteria provided, single submitter. Criteria: Invitae Variant Classification Sherloc (09022015). Collection method: clinical testing. Allele origin: germline.
Comment: This sequence change creates a premature translational stop signal (p.Leu242Cysfs*55) in the APOA5 gene. While this is not anticipated to result in nonsense mediated decay, it is expected to disrupt the last 125 amino acid(s) of the APOA5 protein. This variant is present in population databases (no rsID available, gnomAD 0.0009%). This premature translational stop signal has been observed in individual(s) with hypertriglyceridemia (PMID: 28951076). In summary, the available evidence is currently insufficient to determine the role of this variant in disease. Therefore, it has been classified as a Variant of Uncertain Significance.

Literature cited by the submitters: PubMed 21993410 (cited by Ambry Genetics); PubMed 28951076 (cited by Labcorp Genetics (formerly Invitae), Labcorp).

NM_001371904.1(APOA5):c.724del (p.Leu242fs)

Gene: APOA5 (apolipoprotein A5; minus strand). Cytogenetic location: 11q23.3.
Variant type: Deletion.
Coding change: c.724del on transcript NM_001371904.1 (MANE Select); coding-DNA position 724, one base deleted (C; older notation c.724delC).
Protein change: p.Leu242fs; shifts the reading frame from leucine 242.
Molecular consequence: frameshift variant.
Genome position (GRCh38, 1-based): chr11:116,790,505, G deleted on the plus strand (C on the coding strand, the reverse complement: APOA5 is on the minus strand); the first of 3 consecutive G bases (chr11:116,790,505-116,790,507); deleting any one gives the same sequence. VCF-style (leftmost placement, unchanged base first): chr11-116790504-AG-A. GRCh37 (hg19) VCF-style: chr11-116661220-AG-A.
Other names: c.724delC (NM_052968.4); c.724del, p.Leu242fs (NM_001166598.2, NM_052968.5); short protein forms L242fs.
Identifiers: ClinVar variation 3721094 (VCV003721094.4).